The following is an entry in ClinVar:

NM_053274.3(GLMN):c.211C>T (p.Arg71Ter)

Gene: GLMN (glomulin, FKBP associated protein; minus strand). Cytogenetic location: 1p22.1.
Variant type: single nucleotide variant.
Coding change: c.211C>T on transcript NM_053274.3 (MANE Select); coding-DNA position 211, C replaced by T.
Protein change: p.Arg71Ter; replaces arginine 71 with a stop codon.
Molecular consequence: nonsense. On other transcripts: non-coding transcript variant (1).
Genome position (GRCh38, 1-based): chr1:92,291,492, G>A on the plus strand (C>T on the coding strand, the complement: GLMN is on the minus strand). VCF-style: chr1-92291492-G-A. GRCh37 (hg19) VCF-style: chr1-92757049-G-A.
Other names: c.211C>T, p.Arg71Ter (NM_001319683.2); short protein forms R71*.
Identifiers: ClinVar variation 4813079 (VCV004813079.1).
Genomic context (GRCh38, chr1:92,291,492, plus strand): 5'-CAAAGATCAAAAAATAAACTTTTCTTTTACTATCCTCTTTATCTTTACACAAAAGGCATC[G>A]AACAACAGGACCAACGAGATTCCAGCCCATATTCTTGATGATGACCTGTAAAAACATTTT-3'

ClinVar aggregate classification (germline): Likely pathogenic (1 of 4 stars; one submission).

Conditions:
Glomuvenous malformation. Also called: Familial glomangioma; GLOMANGIOMAS, MULTIPLE; GLOMUS TUMORS, MULTIPLE; VENOUS MALFORMATIONS WITH GLOMUS CELLS. Identifiers: Orphanet 83454, MedGen C1841984, MONDO:0007672, OMIM 138000.

Submission:

Variantyx, Inc.
Classification: Likely pathogenic for Glomuvenous malformation. Last evaluated: 2025-06-26. Review status: criteria provided, single submitter. Criteria: Variantyx Assertion Criteria 2022. Collection method: clinical testing. Allele origin: germline. Inheritance: Autosomal dominant inheritance. Affected: yes.
Comment: This is a nonsense variant in the GLMN gene (OMIM: 601749). Pathogenic variants in this gene have been associated with autosomal dominant glomuvenous malformations. This variant introduces a premature termination codon in exon 4 out of 19 and is expected to result in loss of function, which is a known disease mechanism for GLMN in this disorder (PMID: 38489583) (PVS1). This variant has a 0.0005% maximum allele frequency in non-founder control populations (PM2) and it has not been reported in individuals with GLMN-related disorders in the databases available for review. Based on the current evidence, this variant is classified as likely pathogenic for autosomal dominant glomuvenous malformations.Inheritance from an unaffected or mildly affected parent has been reported, consistent with incomplete penetrance and variable expressivity (PMID:28163461, 30325312, 15313813).

Literature cited by the submitters: PubMed 38489583; PubMed 28163461; PubMed 30325312; PubMed 15313813.